The following is an entry in ClinVar:

NM_014712.3(SETD1A):c.4543C>G (p.Pro1515Ala)

Gene: SETD1A (SET domain containing 1A, histone lysine methyltransferase; plus strand). Cytogenetic location: 16p11.2.
Variant type: single nucleotide variant.
Coding change: c.4543C>G on transcript NM_014712.3 (MANE Select); coding-DNA position 4543, C replaced by G.
Protein change: p.Pro1515Ala; replaces proline 1515 with alanine.
Molecular consequence: missense variant.
Genome position (GRCh38, 1-based): chr16:30,980,619, C>G. VCF-style: chr16-30980619-C-G. GRCh37 (hg19) VCF-style: chr16-30991940-C-G.
Other names: short protein forms P1515A.
Identifiers: ClinVar variation 5018293 (VCV005018293.1).

ClinVar aggregate classification (germline): Uncertain significance (1 of 4 stars; one submission).

Submission:

GeneDx
Classification: Uncertain significance. Last evaluated: 2026-04-08. Review status: criteria provided, single submitter. Criteria: GeneDx Variant Classification Process June 2021. Collection method: clinical testing. Allele origin: germline.
Comment: Not observed at significant frequency in large population cohorts (gnomAD); In silico analysis suggests that this missense variant does not alter protein structure/function; Has not been previously published as pathogenic or benign to our knowledge